The following is an entry in ClinVar:

NM_000138.5(FBN1):c.6023A>G (p.Asn2008Ser)

Gene: FBN1 (fibrillin 1; minus strand). Cytogenetic location: 15q21.1.
Variant type: single nucleotide variant.
Coding change: c.6023A>G on transcript NM_000138.5 (MANE Select); coding-DNA position 6023, A replaced by G.
Protein change: p.Asn2008Ser; replaces asparagine 2008 with serine.
Molecular consequence: missense variant.
Genome position (GRCh38, 1-based): chr15:48,444,555, T>C on the plus strand (A>G on the coding strand, the complement: FBN1 is on the minus strand). VCF-style: chr15-48444555-T-C. GRCh37 (hg19) VCF-style: chr15-48736752-T-C.
Other names: c.6023A>G, p.Asn2008Ser (NM_001406716.1); short protein forms N2008S.
Identifiers: ClinVar variation 3894357 (VCV003894357.1).

ClinVar aggregate classification (germline): Uncertain significance (1 of 4 stars; one submission).

Conditions:
Familial thoracic aortic aneurysm and aortic dissection (TAAD). Also called: Thoracic aortic aneurysms and dissections. Identifiers: Orphanet 91387, MedGen C4707243, MONDO:0019625.

Submission:

Color Diagnostics, LLC DBA Color Health
Classification: Uncertain significance for Familial thoracic aortic aneurysm and aortic dissection. Last evaluated: 2024-02-04. Review status: criteria provided, single submitter. Criteria: ACMG Guidelines, 2015. Collection method: clinical testing. Allele origin: germline.
Comment: This missense variant replaces asparagine with serine at codon 2008 of the FBN1 protein. Computational prediction suggests that this variant may not impact protein structure and function (internally defined REVEL score threshold <= 0.5, PMID: 27666373). To our knowledge, functional studies have not been reported for this variant. This variant has not been reported in individuals affected with FBN1-related disorders in the literature. This variant has not been identified in the general population by the Genome Aggregation Database (gnomAD). The available evidence is insufficient to determine the role of this variant in disease conclusively. Therefore, this variant is classified as a Variant of Uncertain Significance.